The following is an entry in ClinVar:

NM_000214.3(JAG1):c.1801C>T (p.Pro601Ser)

Gene: JAG1 (jagged canonical Notch ligand 1; minus strand). Cytogenetic location: 20p12.2.
Variant type: single nucleotide variant.
Coding change: c.1801C>T on transcript NM_000214.3 (MANE Select); coding-DNA position 1801, C replaced by T.
Protein change: p.Pro601Ser; replaces proline 601 with serine.
Molecular consequence: missense variant.
Genome position (GRCh38, 1-based): chr20:10,647,023, G>A on the plus strand (C>T on the coding strand, the complement: JAG1 is on the minus strand). VCF-style: chr20-10647023-G-A. GRCh37 (hg19) VCF-style: chr20-10627671-G-A.
Other names: short protein forms P601S.
Identifiers: ClinVar variation 2628484 (VCV002628484.1), dbSNP rs2514515642, ClinGen allele CA408236117.

ClinVar aggregate classification (germline): Uncertain significance (1 of 4 stars; one submission).

Conditions:
JAG1-related disorder. Also called: JAG1-related condition; JAG1-related disorders.

Submission:

PreventionGenetics, part of Exact Sciences
Classification: Uncertain significance for JAG1-related condition. Last evaluated: 2023-08-02. Review status: criteria provided, single submitter. Criteria: ACMG Guidelines, 2015. Collection method: clinical testing. Allele origin: germline.
Comment: The JAG1 c.1801C>T variant is predicted to result in the amino acid substitution p.Pro601Ser. To our knowledge, this variant has not been reported in the literature or in a large population database, indicating this variant is rare. At this time, the clinical significance of this variant is uncertain due to the absence of conclusive functional and genetic evidence.